The following is an entry in ClinVar:

ClinVar aggregate classification (germline): Pathogenic (1 of 4 stars; one submission).

Conditions:
Anterior segment dysgenesis 3 (ASGD3). Also called: Glaucoma iridogoniodysplasia, familial; IRIDOGONIODYSGENESIS ANOMALY, AUTOSOMAL DOMINANT. Identifiers: Orphanet 91483, MedGen C5975707, MONDO:0024456, OMIM 601631.

Submission:

Institute of Human Genetics, FAU Erlangen, Friedrich-Alexander-Universität Erlangen-Nürnberg
Classification: Pathogenic for Anterior segment dysgenesis 3. Last evaluated: 2018-03-06. Review status: criteria provided, single submitter. Criteria: ACMG Guidelines, 2015. Collection method: clinical testing. Allele origin: de novo. Inheritance: Sporadic. Affected: yes.
Comment: The variant was classified as pathogenic according to the ACMG criteria (class 5).

NM_001453.3(FOXC1):c.349del (p.Asp117fs)

Gene: FOXC1 (forkhead box C1; plus strand). Cytogenetic location: 6p25.3.
Variant type: Deletion.
Coding change: c.349del on transcript NM_001453.3 (MANE Select); coding-DNA position 349, one base deleted (G; older notation c.349delG).
Protein change: p.Asp117fs; shifts the reading frame from aspartic acid 117.
Molecular consequence: frameshift variant.
Genome position (GRCh38, 1-based): chr6:1,610,794, G deleted; the last of 3 consecutive G bases (chr6:1,610,792-1,610,794); deleting any one gives the same sequence. VCF-style (leftmost placement, unchanged base first): chr6-1610791-CG-C. GRCh37 (hg19) VCF-style: chr6-1611026-CG-C.
Other names: short protein forms D117fs.
Identifiers: ClinVar variation 495293 (VCV000495293.2), dbSNP rs1554100953, ClinGen allele CA658683435.